The following is an entry in ClinVar:

ClinVar aggregate classification (germline): Uncertain significance (1 of 4 stars; one submission).

Conditions:
Migraine, familial hemiplegic, 3. Identifiers: Orphanet 569, MedGen C1864987, MONDO:0012320, OMIM 609634.
Febrile seizures, familial, 1. Also called: FEB1. Identifiers: MedGen C1852577, MONDO:0007367, OMIM 121210.
Generalized epilepsy with febrile seizures plus, type 2 (GEFSP2). Also called: GEFS+, TYPE 2. Identifiers: Orphanet 36387, MedGen C1858673, MONDO:0011461, OMIM 604403.
Severe myoclonic epilepsy in infancy (DRVT). Also called: DEVELOPMENTAL AND EPILEPTIC ENCEPHALOPATHY 6A; Severe Myoclonic Epilepsy in Infancy (SMEI); Dravet syndrome; SEVERE MYOCLONIC EPILEPSY OF INFANCY; Epileptic encephalopathy, early infantile, 6 (Dravet syndrome). Identifiers: Orphanet 33069, MedGen C0751122, MONDO:0100135, OMIM 607208.
Early-infantile DEE. Also called: Ohtahara syndrome; Early infantile epileptic encephalopathy; Early infantile epileptic encephalopathy with suppression bursts. Identifiers: Orphanet 1934, MedGen C0393706, MONDO:0800491.

Submission:

Labcorp Genetics (formerly Invitae), Labcorp
Classification: Uncertain significance for Early-infantile DEE. Last evaluated: 2026-01-12. Review status: criteria provided, single submitter. Criteria: Invitae Variant Classification Sherloc (09022015). Collection method: clinical testing. Allele origin: germline.
Comment: This sequence change replaces threonine, which is neutral and polar, with lysine, which is basic and polar, at codon 1941 of the SCN1A protein (p.Thr1941Lys). This variant is not present in population databases (gnomAD no frequency). This variant has not been reported in the literature in individuals affected with SCN1A-related conditions. ClinVar contains an entry for this variant (Variation ID: 1052445). Invitae Evidence Modeling of protein sequence and biophysical properties (such as structural, functional, and spatial information, amino acid conservation, physicochemical variation, residue mobility, and thermodynamic stability) indicates that this missense variant is not expected to disrupt SCN1A protein function with a negative predictive value of 95%. In summary, the available evidence is currently insufficient to determine the role of this variant in disease. Therefore, it has been classified as a Variant of Uncertain Significance.

NM_001165963.4(SCN1A):c.5822C>A (p.Thr1941Lys)

Genes: SCN1A (sodium voltage-gated channel alpha subunit 1; minus strand), LOC102724058 (uncharacterized LOC102724058; plus strand). Cytogenetic location: 2q24.3.
Variant type: single nucleotide variant.
Coding change: c.5822C>A on transcript NM_001165963.4 (MANE Select); coding-DNA position 5822, C replaced by A.
Protein change: p.Thr1941Lys; replaces threonine 1941 with lysine.
Molecular consequence: missense variant. On other transcripts: non-coding transcript variant (1).
Genome position (GRCh38, 1-based): chr2:165,991,453, G>T on the plus strand (C>A on the coding strand, the complement: SCN1A is on the minus strand). VCF-style: chr2-165991453-G-T. GRCh37 (hg19) VCF-style: chr2-166847963-G-T.
Other names: c.5738C>A, p.Thr1913Lys (NM_001165964.3, NM_001353957.2, NM_001353958.2); c.5822C>A, p.Thr1941Lys (NM_001202435.3, NM_001353948.2); c.5789C>A, p.Thr1930Lys (NM_001353949.2, NM_001353950.2, NM_001353951.2 and 2 more transcripts); c.5786C>A, p.Thr1929Lys (NM_001353954.2, NM_001353955.2); c.5735C>A, p.Thr1912Lys (NM_001353960.2); c.3380C>A, p.Thr1127Lys (NM_001353961.2); short protein forms T1127K, T1912K, T1913K, T1929K, T1930K, T1941K.
Identifiers: ClinVar variation 1052445 (VCV001052445.13), dbSNP rs756845310, ClinGen allele CA349063661.